The following is an entry in ClinVar:

NM_001042702.5(PJVK):c.-23+680T>C

Gene: PJVK (pejvakin; plus strand). Cytogenetic location: 2q31.2.
Variant type: single nucleotide variant.
Coding change: c.-23+680T>C on transcript NM_001042702.5 (MANE Select); 680 bases into the intron after 23 bases upstream of the start codon, T replaced by C.
Molecular consequence: intron variant. On other transcripts: synonymous variant (1), 5 prime UTR variant (1).
Genome position (GRCh38, 1-based): chr2:178,452,449, T>C. VCF-style: chr2-178452449-T-C. GRCh37 (hg19) VCF-style: chr2-179317176-T-C.
Other names: c.6T>C, p.Tyr2= (NM_001353776.2); c.-745T>C (NM_001353778.2); c.-335+680T>C (NM_001353777.1); c.30+579T>C (NM_001353775.2).
Identifiers: ClinVar variation 4999627 (VCV004999627.1).
Genomic context (GRCh38, chr2:178,452,449, plus strand): 5'-TTATATCATCTGATGCTTTAATTAGAGCCTATTCTCTCTTCCTCTCCGTCTATATATGTA[T>C]GTATATAGATTACTATCCATCACTGTTTTAATGGATATCTTATTGGAAGGGCTACATAGT-3'

ClinVar aggregate classification (germline): Uncertain significance (1 of 4 stars; one submission).

Conditions:
PJVK-related disorder. Also called: PJVK-related condition.

gnomAD v4.1: 7 of 983,800 alleles (0.00071%); highest among the groups gnomAD compares: African/African-American, 0.0052%; no homozygotes.

Submission:

PreventionGenetics, part of Exact Sciences
Classification: Uncertain significance for PJVK-related condition. Last evaluated: 2026-01-29. Review status: criteria provided, single submitter. Criteria: ACMG Guidelines, 2015. Collection method: clinical testing. Allele origin: germline.
Comment: The PJVK c.6T>C variant is not predicted to result in an amino acid change (p.=). This variant is predicted to alter splicing based on available splicing prediction software (SpliceAI, Jaganathan et al. 2019. PubMed ID: 30661751). However, the use of computer prediction softwares is not equivalent to functional evidence. To our knowledge, this variant has not been reported in the literature. This variant is reported in 0.011% of alleles in individuals of African descent in gnomAD. At this time, the clinical significance of this variant is uncertain due to the absence of conclusive functional and genetic evidence.